The following is an entry in ClinVar:

NM_000506.5(F2):c.875-3C>T

Gene: F2 (coagulation factor II, thrombin; plus strand). Cytogenetic location: 11p11.2.
Variant type: single nucleotide variant.
Coding change: c.875-3C>T on transcript NM_000506.5 (MANE Select); 3 bases into the intron before coding-DNA position 875, C replaced by T.
Molecular consequence: intron variant.
Genome position (GRCh38, 1-based): chr11:46,726,495, C>T. VCF-style: chr11-46726495-C-T. GRCh37 (hg19) VCF-style: chr11-46748045-C-T.
Identifiers: ClinVar variation 4692513 (VCV004692513.1).

ClinVar aggregate classification (germline): Uncertain significance (1 of 4 stars; one submission).

Conditions:
Congenital prothrombin deficiency. Also called: Factor II deficiency; Inherited hypoprothrombinemia; Congenital factor II deficiency; Inherited prothrombin deficiency; Hereditary factor II deficiency disease; HYPOPROTHROMBINEMIA. Identifiers: Orphanet 325, MedGen C0272317, MONDO:0013361, OMIM 613679.

gnomAD v4.1: 2 of 1,612,784 alleles (0.00012%); highest among the groups gnomAD compares: Admixed American, 0.0033%; no homozygotes.

Submission:

Labcorp Genetics (formerly Invitae), Labcorp
Classification: Uncertain significance for Congenital prothrombin deficiency. Last evaluated: 2025-06-04. Review status: criteria provided, single submitter. Criteria: Invitae Variant Classification Sherloc (09022015). Collection method: clinical testing. Allele origin: germline.
Comment: This sequence change falls in intron 7 of the F2 gene. It does not directly change the encoded amino acid sequence of the F2 protein. It affects a nucleotide within the consensus splice site. This variant is present in population databases (no rsID available, gnomAD 0.003%). This variant has not been reported in the literature in individuals affected with F2-related conditions. Variants that disrupt the consensus splice site are a relatively common cause of aberrant splicing (PMID: 17576681, 9536098). Algorithms developed to predict the effect of sequence changes on RNA splicing suggest that this variant may disrupt the consensus splice site. In summary, the available evidence is currently insufficient to determine the role of this variant in disease. Therefore, it has been classified as a Variant of Uncertain Significance.

Literature cited by the submitters: PubMed 17576681; PubMed 9536098.